The following is an entry in ClinVar:

NM_004360.5(CDH1):c.1016C>T (p.Pro339Leu)

Gene: CDH1 (cadherin 1; plus strand). Cytogenetic location: 16q22.1.
Variant type: single nucleotide variant.
Coding change: c.1016C>T on transcript NM_004360.5 (MANE Select); coding-DNA position 1016, C replaced by T.
Protein change: p.Pro339Leu; replaces proline 339 with leucine.
Molecular consequence: missense variant. On other transcripts: 5 prime UTR variant (2).
Genome position (GRCh38, 1-based): chr16:68,812,142, C>T. VCF-style: chr16-68812142-C-T. GRCh37 (hg19) VCF-style: chr16-68846045-C-T.
Other names: c.1016C>T, p.Pro339Leu (NM_001317184.2); c.-600C>T (NM_001317185.2); c.-804C>T (NM_001317186.2); short protein forms P339L.
Identifiers: ClinVar variation 1716778 (VCV001716778.7), dbSNP rs1597894647, ClinGen allele CA396459935.

ClinVar aggregate classification (germline): Uncertain significance. Review status: criteria provided, multiple submitters, no conflicts (2 of 4 stars). 2 submissions from 2 submitters: Uncertain significance (2). Last evaluated 2026-01-14.

Conditions:
Hereditary cancer-predisposing syndrome. Also called: Tumor predisposition; Hereditary Cancer Syndrome; Hereditary neoplastic syndrome; Neoplastic Syndromes, Hereditary. Identifiers: Orphanet 140162, MedGen C0027672, MeSH D009386, MONDO:0015356.
Hereditary diffuse gastric adenocarcinoma (HDGC). Also called: DIFFUSE GASTRIC AND LOBULAR BREAST CANCER SYNDROME. Identifiers: Orphanet 26106, MedGen C1708349, MONDO:0007648, OMIM 137215.

gnomAD v4.1: 1 of 1,614,122 alleles (0.000062%); highest among the groups gnomAD compares: Non-Finnish European, 0.000085%; no homozygotes.

Submissions (2):

Ambry Genetics
Classification: Uncertain significance for Hereditary cancer-predisposing syndrome. Last evaluated: 2026-01-14. Review status: criteria provided, single submitter. Criteria: Ambry Variant Classification Scheme 2023. Collection method: clinical testing. Allele origin: germline.
Comment: The p.P339L variant (also known as c.1016C>T), located in coding exon 8 of the CDH1 gene, results from a C to T substitution at nucleotide position 1016. The proline at codon 339 is replaced by leucine, an amino acid with similar properties. This amino acid position is highly conserved in available vertebrate species. In addition, the in silico prediction for this alteration is inconclusive. Based on the available evidence, the clinical significance of this variant remains unclear.

Labcorp Genetics (formerly Invitae), Labcorp
Classification: Uncertain significance for Hereditary diffuse gastric adenocarcinoma. Last evaluated: 2022-08-19. Review status: criteria provided, single submitter. Criteria: Invitae Variant Classification Sherloc (09022015). Collection method: clinical testing. Allele origin: germline.
Comment: In summary, the available evidence is currently insufficient to determine the role of this variant in disease. Therefore, it has been classified as a Variant of Uncertain Significance. Algorithms developed to predict the effect of missense changes on protein structure and function are either unavailable or do not agree on the potential impact of this missense change (SIFT: "Deleterious"; PolyPhen-2: "Probably Damaging"; Align-GVGD: "Class C15"). This variant has not been reported in the literature in individuals affected with CDH1-related conditions. This variant is not present in population databases (gnomAD no frequency). This sequence change replaces proline, which is neutral and non-polar, with leucine, which is neutral and non-polar, at codon 339 of the CDH1 protein (p.Pro339Leu).